The following is an entry in ClinVar:

ClinVar aggregate classification (germline): Likely benign (1 of 4 stars; one submission).

Submission:

CeGaT Center for Human Genetics Tuebingen
Classification: Likely benign. Last evaluated: 2023-04-01. Review status: criteria provided, single submitter. Criteria: CeGaT Center For Human Genetics Tuebingen Variant Classification Criteria Version 2. Collection method: clinical testing. Allele origin: germline. Affected: yes. Observed: 1 variant allele.
Comment: ATXN2: BS1

NM_001372574.1(ATXN2):c.56_85del (p.Gln19_Gln28del)

Genes: ATXN2 (ataxin 2; minus strand), LOC130008791 (ATAC-STARR-seq lymphoblastoid silent region 4872; plus strand). Cytogenetic location: 12q24.12.
Variant type: Deletion.
Coding change: c.56_85del on transcript NM_001372574.1 (MANE Select); coding-DNA positions 56 to 85, 30 bases deleted (AACAGCAGCAGCAGCAGCAGCAGCAGCAGC).
Protein change: p.Gln19_Gln28del.
Molecular consequence: inframe deletion. On other transcripts: non-coding transcript variant (1), intron variant (2).
Genome position (GRCh38, 1-based): chr12:111,598,950-111,598,979, GCTGCTGCTGCTGCTGCTGCTGCTGCTGTT deleted on the plus strand (AACAGCAGCAGCAGCAGCAGCAGCAGCAGC on the coding strand, the reverse complement: ATXN2 is on the minus strand); deleting any 30 consecutive bases within chr12:111,598,950-111,599,007 gives the same sequence; the c. name uses the placement nearest the transcript's 3' end. VCF-style (leftmost placement, unchanged base first): chr12-111598949-GGCTGCTGCTGCTGCTGCTGCTGCTGCTGTT-G. GRCh37 (hg19) VCF-style: chr12-112036753-GGCTGCTGCTGCTGCTGCTGCTGCTGCTGTT-G.
Other names: c.56_85del, p.Gln19_Gln28del (NM_002973.4); c.-28+596_-28+625del (NM_001310123.1); c.-65+596_-65+625del (NM_001310121.1).
Identifiers: ClinVar variation 2643322 (VCV002643322.24), dbSNP rs776315827, ClinGen allele CA6790952.
Genomic context (GRCh38, chr12:111,598,949, plus strand): 5'-GCGGGCGACGCTAGAAGGCCGCTGCCGCCGGGCTTGCGGACATTGGCAGCCGCGGGCGGC[GGCTGCTGCTGCTGCTGCTGCTGCTGCTGTT>G]GCTGCTGCTGCTGCTGCTGCTGCTGCTGCTGCTGCTGCTGGGGCTTCAGCGACATGGTGA-3'